The following is an entry in ClinVar:

ClinVar aggregate classification (germline): Conflicting classifications of pathogenicity. Review status: criteria provided, conflicting classifications (1 of 4 stars). 8 submissions from 7 submitters: Uncertain significance (2); Likely benign (5). 1 of the submissions does not count toward it. Last evaluated 2025-11-25.

Conditions:
Otospondylomegaepiphyseal dysplasia, autosomal recessive (OSMEDB). Also called: Insley-Astley syndrome; CHONDRODYSTROPHY WITH SENSORINEURAL DEAFNESS. Identifiers: Orphanet 1427, MedGen CN034493, MONDO:0044206, OMIM 215150.
COL11A2-related disorder. Also called: COL11A2-related disorders; COL11A2-related condition.
Fibrochondrogenesis 2 (FBCG2). Identifiers: Orphanet 2021, MedGen C3281128, MONDO:0013795, OMIM 614524.

Allele frequency attached by ClinVar (database versions not stated): gnomAD 0.00013 and 0.00014; gnomAD exomes 0.00015 and 0.00028; TOPMed 0.00020; ExAC 0.00024; ESP Exome Variant Server 0.00031; 1000 Genomes Project 30x 0.00062; 1000 Genomes Project 0.00080.
gnomAD v4.1: 250 of 1,614,162 alleles (0.015%); highest among the groups gnomAD compares: Middle Eastern, 0.28%; no homozygotes.

Submissions (8):

Labcorp Genetics (formerly Invitae), Labcorp
Classification: Likely benign. Last evaluated: 2025-11-25. Review status: criteria provided, single submitter. Criteria: Invitae Variant Classification Sherloc (09022015). Collection method: clinical testing. Allele origin: germline.

Women's Health and Genetics/Laboratory Corporation of America, LabCorp
Classification: Likely benign. Last evaluated: 2025-06-26. Review status: criteria provided, single submitter. Criteria: LabCorp Variant Classification Summary - May 2015. Collection method: clinical testing. Allele origin: germline.

Blueprint Genetics
Classification: Likely benign. Last evaluated: 2024-11-05. Review status: criteria provided, single submitter. Criteria: ACMG Guidelines, 2015. Collection method: clinical testing. Allele origin: germline.

CeGaT Center for Human Genetics Tuebingen
Classification: Likely benign. Last evaluated: 2022-10-01. Review status: criteria provided, single submitter. Criteria: CeGaT Center For Human Genetics Tuebingen Variant Classification Criteria Version 2. Collection method: clinical testing. Allele origin: germline. Affected: yes. Observed: 1 variant allele.
Comment: COL11A2: BP4, BP7

Illumina Laboratory Services, Illumina
Classification: Uncertain significance for Otospondylomegaepiphyseal dysplasia, autosomal recessive. Last evaluated: 2018-01-13. Review status: criteria provided, single submitter. Criteria: ICSL Variant Classification Criteria 13 December 2019. Collection method: clinical testing. Allele origin: germline.

Illumina Laboratory Services, Illumina
Classification: Uncertain significance for Fibrochondrogenesis 2. Last evaluated: 2018-01-13. Review status: criteria provided, single submitter. Criteria: ICSL Variant Classification Criteria 13 December 2019. Collection method: clinical testing. Allele origin: germline.

GeneDx
Classification: Likely benign. Last evaluated: 2017-06-27. Review status: criteria provided, single submitter. Criteria: GeneDx Variant Classification (06012015). Collection method: clinical testing. Allele origin: germline. Affected: yes.
Comment: This variant is considered likely benign or benign based on one or more of the following criteria: it is a conservative change, it occurs at a poorly conserved position in the protein, it is predicted to be benign by multiple in silico algorithms, and/or has population frequency not consistent with disease.

PreventionGenetics, part of Exact Sciences
Classification: Likely benign for COL11A2-related condition. Last evaluated: 2023-12-08. Review status: no assertion criteria provided. Collection method: clinical testing. Allele origin: germline. Not counted in ClinVar's aggregate classification.
Comment: This variant is classified as likely benign based on ACMG/AMP sequence variant interpretation guidelines (Richards et al. 2015 PMID: 25741868, with internal and published modifications).

NM_080680.3(COL11A2):c.3654A>G (p.Ser1218=)

Gene: COL11A2 (collagen type XI alpha 2 chain; minus strand). Cytogenetic location: 6p21.32.
Variant type: single nucleotide variant.
Coding change: c.3654A>G on transcript NM_080680.3 (MANE Select); coding-DNA position 3654, A replaced by G.
Protein change: p.Ser1218=; no amino-acid change (serine 1218 retained).
Molecular consequence: synonymous variant.
Genome position (GRCh38, 1-based): chr6:33,169,867, T>C on the plus strand (A>G on the coding strand, the complement: COL11A2 is on the minus strand). VCF-style: chr6-33169867-T-C. GRCh37 (hg19) VCF-style: chr6-33137644-T-C.
Other names: c.3333A>G, p.Ser1111= (NM_080679.3); c.3396A>G, p.Ser1132= (NM_080681.3).
Identifiers: ClinVar variation 356390 (VCV000356390.40), dbSNP rs146962984, ClinGen allele CA3750420.